The following is an entry in ClinVar:

NM_002036.4(ACKR1):c.603G>A (p.Thr201=)

Gene: ACKR1 (atypical chemokine receptor 1 (Duffy blood group); plus strand). Cytogenetic location: 1q23.2.
Variant type: single nucleotide variant.
Coding change: c.603G>A on transcript NM_002036.4 (MANE Select); coding-DNA position 603, G replaced by A.
Protein change: p.Thr201=; no amino-acid change (threonine 201 retained).
Molecular consequence: synonymous variant.
Genome position (GRCh38, 1-based): chr1:159,206,042, G>A. VCF-style: chr1-159206042-G-A. GRCh37 (hg19) VCF-style: chr1-159175832-G-A.
Other names: c.609G>A, p.Thr203= (NM_001122951.3).
Identifiers: ClinVar variation 3040382 (VCV003040382.2), dbSNP rs191616307, ClinGen allele CA1187759.
Genomic context (GRCh38, chr1:159,206,042, plus strand): 5'-ACTGCCTGTCACCCTGGCCAGTGGTGCTTCTGGTGGACTCTGCACCCTGATATACAGCAC[G>A]GAGCTGAAGGCTTTGCAGGCCACACACACTGTAGCCTGTCTTGCCATCTTTGTCTTGTTG-3'
Protein context (NP_002027.2, residues 191-211): SGGLCTLIYS[Thr201=]ELKALQATHT

ClinVar aggregate classification (germline): Likely benign (0 of 4 stars; one submission).

Conditions:
ACKR1-related disorder. Also called: ACKR1-related condition.

Allele frequency attached by ClinVar (database versions not stated): ESP Exome Variant Server 0.00008; gnomAD 0.00019; ExAC 0.00021; TOPMed 0.00022; 1000 Genomes Project 0.00060; 1000 Genomes Project 30x 0.00062.
gnomAD v4.1: 173 of 1,614,240 alleles (0.011%); highest among the groups gnomAD compares: East Asian, 0.22%; no homozygotes.

Submission:

PreventionGenetics, part of Exact Sciences
Classification: Likely benign for ACKR1-related condition. Last evaluated: 2019-09-17. Review status: no assertion criteria provided. Collection method: clinical testing. Allele origin: germline.
Comment: This variant is classified as likely benign based on ACMG/AMP sequence variant interpretation guidelines (Richards et al. 2015 PMID: 25741868, with internal and published modifications).